The following is an entry in ClinVar:

ClinVar aggregate classification (germline): Pathogenic. Review status: criteria provided, multiple submitters, no conflicts (2 of 4 stars). 2 submissions from 2 submitters: Pathogenic (2). Last evaluated 2026-07-20.

Conditions:
Familial cancer of breast. Also called: BREAST CANCER, FAMILIAL; hereditary breast carcinoma; Hereditary breast cancer. Identifiers: Orphanet 227535, MedGen C0346153, MONDO:0016419, OMIM 114480. Disease mechanism: loss of function.
Hereditary cancer-predisposing syndrome. Also called: Hereditary neoplastic syndrome; Hereditary Cancer Syndrome; Neoplastic Syndromes, Hereditary; Tumor predisposition. Identifiers: Orphanet 140162, MedGen C0027672, MeSH D009386, MONDO:0015356.

Submissions (2):

Ambry Genetics
Classification: Pathogenic for Hereditary cancer-predisposing syndrome. Last evaluated: 2026-07-20. Review status: criteria provided, single submitter. Criteria: Ambry Variant Classification Scheme 2023. Collection method: clinical testing. Allele origin: germline.
Comment: The p.E157* pathogenic mutation (also known as c.469G>T), located in coding exon 4 of the BRIP1 gene, results from a G to T substitution at nucleotide position 469. This changes the amino acid from a glutamic acid to a stop codon within coding exon 4. This variant is considered to be rare based on population cohorts in the Genome Aggregation Database (gnomAD). This alteration is expected to result in loss of function by premature protein truncation or nonsense-mediated mRNA decay. As such, this alteration is interpreted as a disease-causing mutation.

Myriad Genetics, Inc.
Classification: Pathogenic for Familial cancer of breast. Last evaluated: 2023-05-31. Review status: criteria provided, single submitter. Criteria: Myriad Autosomal Dominant, Autosomal Recessive and X-Linked Classification Criteria (2023). Collection method: clinical testing. Allele origin: unknown.
Comment: This variant is considered pathogenic. This variant creates a termination codon and is predicted to result in premature protein truncation.

NM_032043.3(BRIP1):c.469G>T (p.Glu157Ter)

Gene: BRIP1 (BRCA1 interacting DNA helicase 1; minus strand). Cytogenetic location: 17q23.2.
Variant type: single nucleotide variant.
Coding change: c.469G>T on transcript NM_032043.3 (MANE Select); coding-DNA position 469, G replaced by T.
Protein change: p.Glu157Ter; replaces glutamic acid 157 with a stop codon.
Molecular consequence: nonsense.
Genome position (GRCh38, 1-based): chr17:61,849,167, C>A on the plus strand (G>T on the coding strand, the complement: BRIP1 is on the minus strand). VCF-style: chr17-61849167-C-A. GRCh37 (hg19) VCF-style: chr17-59926528-C-A.
Other names: short protein forms E157*.
Identifiers: ClinVar variation 2584240 (VCV002584240.3), dbSNP rs2078778379, ClinGen allele CA400484423.
Genomic context (GRCh38, chr17:61,849,167, plus strand): 5'-ACTGCCAATAAACTCTGTTTACCTGCTGTGTAGTTTCTAAGGGTCGAATTCTTTTCTTCT[C>A]TACTTGAAAATCATCATTTTCATCTCTGTATATGGATGCCTGTTTCTTAGCAGATAACTT-3'